The following is an entry in ClinVar:

NM_000079.4(CHRNA1):c.472G>C (p.Asp158His)

Gene: CHRNA1 (cholinergic receptor nicotinic alpha 1 subunit; minus strand). Cytogenetic location: 2q31.1.
Variant type: single nucleotide variant.
Coding change: c.472G>C on transcript NM_000079.4 (MANE Select); coding-DNA position 472, G replaced by C.
Protein change: p.Asp158His; replaces aspartic acid 158 with histidine.
Molecular consequence: missense variant.
Genome position (GRCh38, 1-based): chr2:174,754,287, C>G on the plus strand (G>C on the coding strand, the complement: CHRNA1 is on the minus strand). VCF-style: chr2-174754287-C-G. GRCh37 (hg19) VCF-style: chr2-175619015-C-G.
Other names: c.547G>C, p.Asp183His (NM_001039523.3); short protein forms D158H, D183H.
Identifiers: ClinVar variation 4680869 (VCV004680869.2).
Genomic context (GRCh38, chr2:174,754,287, plus strand): 5'-TGGCCACGACAGAGCCGTCGTAGGTCCAGGTGCCCAGCTTCATGCTGCAGTTCTGTTCAT[C>G]AAAGGGAAAGTGGGTGACGATGATCTCACAGTAGCTTTTAAAGATGGCTGGAGGTGTCCA-3'
Protein context (NP_000070.1, residues 148-168): CEIIVTHFPF[Asp158His]EQNCSMKLGT

ClinVar aggregate classification (germline): Uncertain significance. Review status: criteria provided, multiple submitters, no conflicts (2 of 4 stars). 2 submissions from 2 submitters: Uncertain significance (2). Last evaluated 2026-05-19.

Conditions:
Inborn genetic diseases. Identifiers: MedGen C0950123, MeSH D030342.

gnomAD v4.1: 3 of 1,614,176 alleles (0.00019%); highest among the groups gnomAD compares: Non-Finnish European, 0.00025%; no homozygotes.

Submissions (2):

Ambry Genetics
Classification: Uncertain significance for Inborn genetic diseases. Last evaluated: 2026-05-19. Review status: criteria provided, single submitter. Criteria: Ambry Variant Classification Scheme 2023. Collection method: clinical testing. Allele origin: germline.

GeneDx
Classification: Uncertain significance. Last evaluated: 2025-07-02. Review status: criteria provided, single submitter. Criteria: GeneDx Variant Classification Process June 2021. Collection method: clinical testing. Allele origin: germline. Affected: yes.
Comment: Not observed at significant frequency in large population cohorts (gnomAD); In silico analysis supports that this missense variant has a deleterious effect on protein structure/function; In silico analysis suggests this variant may impact gene splicing. In the absence of RNA/functional studies, the actual effect of this sequence change is unknown.; Has not been previously published as pathogenic or benign to our knowledge